The following is an entry in ClinVar:

ClinVar aggregate classification (germline): Pathogenic (1 of 4 stars; one submission).

Conditions:
Developmental and epileptic encephalopathy, 9 (DEE9). Also called: Early infantile epileptic encephalopathy 9; EPILEPSY, FEMALE-RESTRICTED, WITH MENTAL RETARDATION; JUBERG-HELLMAN SYNDROME; PCDH19-Related X-Linked Female-Limited Epilepsy with Mental Retardation. Identifiers: Orphanet 101039, Orphanet 2076, MedGen C1848137, MONDO:0010246, OMIM 300088. Disease mechanism: loss of function.

Submission:

Labcorp Genetics (formerly Invitae), Labcorp
Classification: Pathogenic for Developmental and epileptic encephalopathy, 9. Last evaluated: 2024-10-23. Review status: criteria provided, single submitter. Criteria: Invitae Variant Classification Sherloc (09022015). Collection method: clinical testing. Allele origin: germline.
Comment: This sequence change creates a premature translational stop signal (p.Val334Glyfs*32) in the PCDH19 gene. It is expected to result in an absent or disrupted protein product. Loss-of-function variants in PCDH19 are known to be pathogenic (PMID: 21053371). This variant is not present in population databases (gnomAD no frequency). This variant has not been reported in the literature in individuals affected with PCDH19-related conditions. ClinVar contains an entry for this variant (Variation ID: 2119903). For these reasons, this variant has been classified as Pathogenic.

Literature cited by the submitters: PubMed 21053371.

NM_001184880.2(PCDH19):c.1001_1007del (p.Val334fs)

Gene: PCDH19 (protocadherin 19; minus strand). Cytogenetic location: Xq22.1.
Variant type: Deletion.
Coding change: c.1001_1007del on transcript NM_001184880.2 (MANE Select); coding-DNA positions 1001 to 1007, 7 bases deleted (TCAGCGT; older notation c.1001_1007delTCAGCGT).
Protein change: p.Val334fs; shifts the reading frame from valine 334.
Molecular consequence: frameshift variant.
Genome position (GRCh38, 1-based): chrX:100,407,591-100,407,597, ACGCTGA deleted on the plus strand (TCAGCGT on the coding strand, the reverse complement: PCDH19 is on the minus strand). VCF-style (leftmost placement, unchanged base first): chrX-100407590-CACGCTGA-C. GRCh37 (hg19) VCF-style: chrX-99662588-CACGCTGA-C.
Other names: c.1001_1007del, p.Val334fs (NM_001105243.2, NM_020766.3); short protein forms V334fs.
Identifiers: ClinVar variation 2119903 (VCV002119903.4), dbSNP rs2520987109, ClinGen allele CA2580100043.
Genomic context (GRCh38, chrX:100,407,590, plus strand): 5'-CACAAGCTCACTGTTGACTGACAGCAGGTTGATGACCGGCGGATTGTCATTGGTGTCCAG[CACGCTGA>C]CGGTGACCTTGCAGTGTGCCGGGATGGAATTGGGCCCCAAGTCCTTAGCCTGCACGTCCA-3'